The following is an entry in ClinVar:

ClinVar aggregate classification (germline): Uncertain significance (1 of 4 stars; one submission).

Conditions:
Cardiovascular phenotype. Identifiers: MedGen CN230736.

Submission:

Ambry Genetics
Classification: Uncertain significance for Cardiovascular phenotype. Last evaluated: 2021-06-03. Review status: criteria provided, single submitter. Criteria: Ambry Variant Classification Scheme 2023. Collection method: clinical testing. Allele origin: germline.
Comment: The p.H123Y variant (also known as c.367C>T), located in coding exon 3 of the ABCC9 gene, results from a C to T substitution at nucleotide position 367. The histidine at codon 123 is replaced by tyrosine, an amino acid with similar properties. This amino acid position is highly conserved in available vertebrate species. In addition, this alteration is predicted to be deleterious by in silico analysis. Since supporting evidence is limited at this time, the clinical significance of this alteration remains unclear.

NM_020297.4(ABCC9):c.367C>T (p.His123Tyr)

Gene: ABCC9 (ATP binding cassette subfamily C member 9; minus strand). Cytogenetic location: 12p12.1.
Variant type: single nucleotide variant.
Coding change: c.367C>T on transcript NM_020297.4 (MANE Select); coding-DNA position 367, C replaced by T.
Protein change: p.His123Tyr; replaces histidine 123 with tyrosine.
Molecular consequence: missense variant. On other transcripts: 5 prime UTR variant (1).
Genome position (GRCh38, 1-based): chr12:21,925,981, G>A on the plus strand (C>T on the coding strand, the complement: ABCC9 is on the minus strand). VCF-style: chr12-21925981-G-A. GRCh37 (hg19) VCF-style: chr12-22078915-G-A.
Other names: c.367C>T, p.His123Tyr (NM_001377273.1, NM_005691.4); c.-88C>T (NM_001377274.1); short protein forms H123Y.
Identifiers: ClinVar variation 1733862 (VCV001733862.2), dbSNP rs2541827555, ClinGen allele CA384129316.
Genomic context (GRCh38, chr12:21,925,981, plus strand): 5'-AACAAAAGTGATCATACTTACCTAAAAGTAATTTAGGAAAATTTGATGTTTCGATATTAT[G>A]ATAATACACTATCGATGTTGTAGTGGCAACGAATCCCATCACGGCTGGCATAAAGAGGTG-3'
Protein context (NP_064693.2, residues 113-133): VATTTSIVYY[His123Tyr]NIETSNFPKL